The following is an entry in ClinVar:

ClinVar aggregate classification (germline): Uncertain significance (1 of 4 stars; one submission).

Conditions:
Hereditary cancer-predisposing syndrome. Also called: Tumor predisposition; Hereditary Cancer Syndrome; Hereditary neoplastic syndrome; Neoplastic Syndromes, Hereditary. Identifiers: Orphanet 140162, MedGen C0027672, MeSH D009386, MONDO:0015356.

Allele frequency attached by ClinVar (database versions not stated): gnomAD exomes below 0.00001.

Submissions (2):

Ambry Genetics
Classification: Uncertain significance for Hereditary cancer-predisposing syndrome. Last evaluated: 2022-03-18. Review status: criteria provided, single submitter. Criteria: Ambry Variant Classification Scheme 2023. Collection method: clinical testing. Allele origin: germline.
Comment: The p.M1775I variant (also known as c.5325G>T), located in coding exon 19 of the BRCA1 gene, results from a G to T substitution at nucleotide position 5325. The methionine at codon 1775 is replaced by isoleucine, an amino acid with highly similar properties. One functional study found that this nucleotide substitution had intermediate function in a high-throughput, genome editing, haploid cell survival assay (Findlay GM et al. Nature, 2018 10;562:217-222). This amino acid position is highly conserved in available vertebrate species. In addition, this alteration is predicted to be deleterious by in silico analysis. Since supporting evidence is limited at this time, the clinical significance of this alteration remains unclear.

Brotman Baty Institute, University of Washington
No classification provided (evidence only). Condition: Breast-ovarian cancer, familial 1. Review status: no classification provided. Collection method: in vitro. Allele origin: not applicable. Functional consequence: function_uncertain_variant. Not counted in ClinVar's aggregate classification.
ClinVar note: "not provided" was previously submitted as the classification for the variant. However, the classification appeared to be based only on an observation of functional data so it was converted to no classification on 2025-07-30.

Literature cited by the submitters: PubMed 30209399 (cited by Ambry Genetics).

NM_007294.4(BRCA1):c.5325G>T (p.Met1775Ile)

Gene: BRCA1 (BRCA1 DNA repair associated; minus strand). Cytogenetic location: 17q21.31.
Variant type: single nucleotide variant.
Coding change: c.5325G>T on transcript NM_007294.4 (MANE Select); coding-DNA position 5325, G replaced by T.
Protein change: p.Met1775Ile; replaces methionine 1775 with isoleucine.
Molecular consequence: missense variant. On other transcripts: non-coding transcript variant (1).
Genome position (GRCh38, 1-based): chr17:43,051,070, C>A on the plus strand (G>T on the coding strand, the complement: BRCA1 is on the minus strand). VCF-style: chr17-43051070-C-A. GRCh37 (hg19) VCF-style: chr17-41203087-C-A.
Other names: c.5181G>T, p.Met1727Ile (NM_001407736.1, NM_001407737.1, NM_001407738.1 and 21 more transcripts); c.5178G>T, p.Met1726Ile (NM_001407841.1, NM_001407842.1, NM_001407843.1 and 12 more transcripts); c.5121G>T, p.Met1707Ile (NM_001407863.1); c.5118G>T, p.Met1706Ile (NM_001407874.1, NM_001407875.1); c.5115G>T, p.Met1705Ile (NM_001407879.1, NM_001407881.1, NM_001407882.1 and 5 more transcripts); c.5112G>T, p.Met1704Ile (NM_001407571.1, NM_001407894.1, NM_001407895.1 and 12 more transcripts); c.5391G>T, p.Met1797Ile (NM_001407581.1, NM_001407582.1); c.5388G>T, p.Met1796Ile (NM_001407583.1, NM_001407585.1, NM_001407587.1 and 1 more transcripts); and 72 more; short protein forms M1775I, M1796I, M1728I, M671I, M1647I, M1685I, M1687I, M1755I.
Identifiers: ClinVar variation 865306 (VCV000865306.5), dbSNP rs1135401885, ClinGen allele CA10590900.